The following is an entry in ClinVar:

NM_000094.4(COL7A1):c.6043_6044delinsAA (p.Gly2015Lys)

Gene: COL7A1 (collagen type VII alpha 1 chain; minus strand). Cytogenetic location: 3p21.31.
Variant type: Indel.
Coding change: c.6043_6044delinsAA on transcript NM_000094.4 (MANE Select); coding-DNA positions 6043 to 6044, GG replaced by AA.
Protein change: p.Gly2015Lys; replaces glycine 2015 with lysine.
Molecular consequence: missense variant.
Genome position (GRCh38, 1-based): chr3:48,575,475-48,575,476, CC replaced by TT on the plus strand (GG replaced by AA on the coding strand, the reverse complement: COL7A1 is on the minus strand). VCF-style: chr3-48575475-CC-TT. GRCh37 (hg19) VCF-style: chr3-48612908-CC-TT.
Other names: short protein forms G2015K.
Identifiers: ClinVar variation 4725250 (VCV004725250.1).
Genomic context (GRCh38, chr3:48,575,475, plus strand): 5'-TCCCCGGCAAGGCCGGAAGGCCCGGGGGGGCCCCTCTCCCCAAGGGCCAGACCAGGTGGC[CC>TT]CTGAGGGCCAGGGTCTCCACGGTCGCCCTTCAGCCCGCGTTCTCCAGGAAAGCCGATGGG-3'
Protein context (NP_000085.1, residues 2005-2025): KGDRGDPGPQ[Gly2015Lys]PPGLALGERG

ClinVar aggregate classification (germline): Uncertain significance (1 of 4 stars; one submission).

Submission:

Labcorp Genetics (formerly Invitae), Labcorp
Classification: Uncertain significance. Last evaluated: 2025-08-11. Review status: criteria provided, single submitter. Criteria: Invitae Variant Classification Sherloc (09022015). Collection method: clinical testing. Allele origin: germline.
Comment: This sequence change replaces glycine, which is neutral and non-polar, with lysine, which is basic and polar, at codon 2015 of the COL7A1 protein (p.Gly2015Lys). Information on the frequency of this variant in the gnomAD database is not available, as this variant may be reported differently in the database. This variant has not been reported in the literature in individuals affected with COL7A1-related conditions. Experimental studies and prediction algorithms are not available or were not evaluated, and the functional significance of this variant is currently unknown. This variant disrupts the triple helix domain of COL7A1. Glycine residues within the Gly-Xaa-Yaa repeats of the triple helix domain are required for the structure and stability of fibrillar collagens (PMID: 7695699, 8218237, 19344236), and variants at these glycine residues in COL7A1 are more frequently observed in individuals with disease than in the general population (PMID: 22058051). However, the clinical significance of this observation remains uncertain since only a limited number of affected individuals have been described to date. This variant disrupts the p.Gly2015 amino acid residue in COL7A1. Other variant(s) that disrupt this residue have been determined to be pathogenic (PMID: 16971478). This suggests that this residue is clinically significant, and that variants that disrupt this residue are likely to be disease-causing. In summary, the available evidence is currently insufficient to determine the role of this variant in disease. Therefore, it has been classified as a Variant of Uncertain Significance.

Literature cited by the submitters: PubMed 7695699; PubMed 8218237; PubMed 19344236; PubMed 22058051; PubMed 16971478.